The following is an entry in ClinVar:

ClinVar aggregate classification (germline): Uncertain significance (1 of 4 stars; one submission).

Submission:

Labcorp Genetics (formerly Invitae), Labcorp
Classification: Uncertain significance. Last evaluated: 2024-12-02. Review status: criteria provided, single submitter. Criteria: Invitae Variant Classification Sherloc (09022015). Collection method: clinical testing. Allele origin: germline.
Comment: This sequence change replaces aspartic acid, which is acidic and polar, with glycine, which is neutral and non-polar, at codon 1687 of the KMT2B protein (p.Asp1687Gly). This variant is not present in population databases (gnomAD no frequency). This variant has not been reported in the literature in individuals affected with KMT2B-related conditions. Invitae Evidence Modeling of protein sequence and biophysical properties (such as structural, functional, and spatial information, amino acid conservation, physicochemical variation, residue mobility, and thermodynamic stability) has been performed for this missense variant. However, the output from this modeling did not meet the statistical confidence thresholds required to predict the impact of this variant on KMT2B protein function. In summary, the available evidence is currently insufficient to determine the role of this variant in disease. Therefore, it has been classified as a Variant of Uncertain Significance.

NM_014727.3(KMT2B):c.5060A>G (p.Asp1687Gly)

Gene: KMT2B (lysine methyltransferase 2B; plus strand). Cytogenetic location: 19q13.12.
Variant type: single nucleotide variant.
Coding change: c.5060A>G on transcript NM_014727.3 (MANE Select); coding-DNA position 5060, A replaced by G.
Protein change: p.Asp1687Gly; replaces aspartic acid 1687 with glycine.
Molecular consequence: missense variant.
Genome position (GRCh38, 1-based): chr19:35,730,109, A>G. VCF-style: chr19-35730109-A-G. GRCh37 (hg19) VCF-style: chr19-36221010-A-G.
Other names: short protein forms D1687G.
Identifiers: ClinVar variation 3719683 (VCV003719683.2).